The following is an entry in ClinVar:

NM_001374623.1(PNPLA1):c.149C>A (p.Ala50Glu)

Gene: PNPLA1 (patatin like domain 1, omega-hydroxyceramide transacylase; plus strand). Cytogenetic location: 6p21.31.
Variant type: single nucleotide variant.
Coding change: c.149C>A on transcript NM_001374623.1 (MANE Select); coding-DNA position 149, C replaced by A.
Protein change: p.Ala50Glu; replaces alanine 50 with glutamic acid.
Molecular consequence: missense variant. On other transcripts: intron variant (2).
Genome position (GRCh38, 1-based): chr6:36,270,608, C>A. VCF-style: chr6-36270608-C-A. GRCh37 (hg19) VCF-style: chr6-36238385-C-A.
Other names: c.149C>A, p.Ala50Glu (NM_001145717.1); c.-80-20712C>A (NM_001145716.2, NM_173676.2); short protein forms A50E.
Identifiers: ClinVar variation 633797 (VCV000633797.1), dbSNP rs533584507, ClinGen allele CA3777603.

ClinVar aggregate classification (germline): Pathogenic/Likely pathogenic. Review status: criteria provided, multiple submitters, no conflicts (2 of 4 stars). 2 submissions from 2 submitters: Pathogenic (1); Likely pathogenic (1). Last evaluated 2025-05-19.

Conditions:
Autosomal recessive congenital ichthyosis 10 (ARCI10). Identifiers: Orphanet 79394, MedGen C3554355, MONDO:0014011, OMIM 615024.

Allele frequency attached by ClinVar (database versions not stated): 1000 Genomes Project 0.00020; 1000 Genomes Project 30x 0.00031; ExAC 0.00005.

Submissions (2):

Genetics Department, University Hospital of Toulouse
Classification: Pathogenic for Autosomal recessive congenital ichthyosis 10. Last evaluated: 2025-05-19. Review status: criteria provided, single submitter. Criteria: ACMG Guidelines, 2015. Collection method: clinical testing, in vitro. Allele origin: germline, not applicable. Inheritance: Autosomal recessive inheritance. Affected: yes.
Comment: The variant NM_001374623.1(PNPLA1):c.149C>A is present in population databases (rs533584507, gnomAD 0.00065%) and has been reported at the homozygous or heterozygous state in two affected individuals with Autosomal Recessive Congenital Ichthyosis (ARCI10; OMIM #615024) (PMID: 30578701; Pell et al., submitted). ClinVar contains an entry for this variant (Variation ID: 633797). This sequence change replaces alanine with glutamic acid at codon 50 of the PNPLA1 protein (p.Ala50Glu) within the conserved patatin-like domain. An in vitro functional study supports a loss of function of the gene product (Pell et al., submitted). Based on this evidence, the variant is classified as pathogenic.

Uitto Lab, Thomas Jefferson University
Classification: Likely pathogenic for Autosomal recessive congenital ichthyosis 10. Last evaluated: 2018-06-08. Review status: criteria provided, single submitter. Criteria: ACMG Guidelines, 2015. Collection method: clinical testing. Allele origin: germline. Affected: yes. Study: Rare heritable connective tissue and skin disorders in Iranian cohort.

Literature cited by the submitters: PubMed 30578701 (cited by Genetics Department, University Hospital of Toulouse).